The following is an entry in ClinVar:

NM_147127.5(EVC2):c.1667_1668del (p.Pro556fs)

Gene: EVC2 (EvC ciliary complex subunit 2; minus strand). Cytogenetic location: 4p16.2.
Variant type: Deletion.
Coding change: c.1667_1668del on transcript NM_147127.5 (MANE Select); coding-DNA positions 1667 to 1668, 2 bases deleted (CA; older notation c.1667_1668delCA).
Protein change: p.Pro556fs; shifts the reading frame from proline 556.
Molecular consequence: frameshift variant.
Genome position (GRCh38, 1-based): chr4:5,631,835-5,631,836, TG deleted on the plus strand (CA on the coding strand, the reverse complement: EVC2 is on the minus strand). VCF-style (leftmost placement, unchanged base first): chr4-5631834-CTG-C. GRCh37 (hg19) VCF-style: chr4-5633561-CTG-C.
Other names: c.1427_1428del, p.Pro476fs (NM_001166136.2); short protein forms P476fs, P556fs.
Identifiers: ClinVar variation 2032212 (VCV002032212.4), dbSNP rs746277047, ClinGen allele CA2834986.

ClinVar aggregate classification (germline): Pathogenic (1 of 4 stars; one submission).

Conditions:
Ellis-van Creveld syndrome (EVC). Also called: MESOECTODERMAL DYSPLASIA; EVC-Related Ellis-van Creveld Syndrome; EVC2-Related Ellis-van Creveld Syndrome; Chondroectodermal dysplasia. Identifiers: Orphanet 289, MedGen C0013903, MONDO:0009162, OMIM 225500.
Curry-Hall syndrome (WAD). Also called: WEYERS ACRODENTAL DYSOSTOSIS. Identifiers: Orphanet 952, MedGen C0457013, MONDO:0008673, OMIM 193530.

Allele frequency attached by ClinVar (database versions not stated): ExAC 0.00001.

Submission:

Labcorp Genetics (formerly Invitae), Labcorp
Classification: Pathogenic for Curry-Hall syndrome; Ellis-van Creveld syndrome. Last evaluated: 2022-11-10. Review status: criteria provided, single submitter. Criteria: Invitae Variant Classification Sherloc (09022015). Collection method: clinical testing. Allele origin: germline.
Comment: This sequence change creates a premature translational stop signal (p.Pro556Argfs*4) in the EVC2 gene. It is expected to result in an absent or disrupted protein product. Loss-of-function variants in EVC2 are known to be pathogenic (PMID: 17024374, 19810119, 19876929). This variant is present in population databases (rs746277047, gnomAD 0.003%). This variant has not been reported in the literature in individuals affected with EVC2-related conditions. For these reasons, this variant has been classified as Pathogenic.

Literature cited by the submitters: PubMed 17024374; PubMed 19810119; PubMed 19876929.